The following is an entry in ClinVar:

ClinVar aggregate classification (germline): Uncertain significance (1 of 4 stars; one submission).

Conditions:
Severe combined immunodeficiency, autosomal recessive, T cell-negative, B cell-negative, NK cell-positive. Also called: SCID, AR, T-cell negative, B-cell negative, NK cell-positive; SCID, T CELL-NEGATIVE, B CELL-NEGATIVE, NK CELL-POSITIVE; Severe combined immunodeficiency due to complete RAG1/2 deficiency. Identifiers: Orphanet 331206, MedGen C1832322, MONDO:0011086, OMIM 601457.
Combined immunodeficiency with skin granulomas. Identifiers: Orphanet 157949, MedGen C2673536, MONDO:0009306, OMIM 233650.

gnomAD v4.1: 1 of 1,614,238 alleles (0.000062%); highest among the groups gnomAD compares: Non-Finnish European, 0.000085%; no homozygotes.

Submission:

Labcorp Genetics (formerly Invitae), Labcorp
Classification: Uncertain significance for Combined immunodeficiency with skin granulomas; Severe combined immunodeficiency, autosomal recessive, T cell-negative, B cell-negative, NK cell-positive. Last evaluated: 2024-06-29. Review status: criteria provided, single submitter. Criteria: Invitae Variant Classification Sherloc (09022015). Collection method: clinical testing. Allele origin: germline.
Comment: This sequence change replaces isoleucine, which is neutral and non-polar, with valine, which is neutral and non-polar, at codon 457 of the RAG1 protein (p.Ile457Val). This variant is not present in population databases (gnomAD no frequency). This variant has not been reported in the literature in individuals affected with RAG1-related conditions. Advanced modeling of protein sequence and biophysical properties (such as structural, functional, and spatial information, amino acid conservation, physicochemical variation, residue mobility, and thermodynamic stability) performed at Invitae indicates that this missense variant is not expected to disrupt RAG1 protein function with a negative predictive value of 80%. In summary, the available evidence is currently insufficient to determine the role of this variant in disease. Therefore, it has been classified as a Variant of Uncertain Significance.

NM_000448.3(RAG1):c.1369A>G (p.Ile457Val)

Gene: RAG1 (recombination activating 1; plus strand). Cytogenetic location: 11p12.
Variant type: single nucleotide variant.
Coding change: c.1369A>G on transcript NM_000448.3 (MANE Select); coding-DNA position 1369, A replaced by G.
Protein change: p.Ile457Val; replaces isoleucine 457 with valine.
Molecular consequence: missense variant.
Genome position (GRCh38, 1-based): chr11:36,574,673, A>G. VCF-style: chr11-36574673-A-G. GRCh37 (hg19) VCF-style: chr11-36596223-A-G.
Other names: c.1369A>G, p.Ile457Val (NM_001377277.1, NM_001377278.1, NM_001377279.1 and 1 more transcripts); short protein forms I457V.
Identifiers: ClinVar variation 3753041 (VCV003753041.2).